The following is an entry in ClinVar:

ClinVar aggregate classification (germline): Uncertain significance. Review status: criteria provided, multiple submitters, no conflicts (2 of 4 stars). 4 submissions from 4 submitters: Uncertain significance (4). Last evaluated 2025-06-22.

Conditions:
Primary ciliary dyskinesia. Also called: Ciliary dyskinesia. Identifiers: Orphanet 244, MedGen C0008780, MONDO:0016575, HP:0012265.
Primary ciliary dyskinesia 13. Also called: CILIARY DYSKINESIA, PRIMARY, 13, WITH OR WITHOUT SITUS INVERSUS. Identifiers: Orphanet 244, MedGen C2750790, MONDO:0013174, OMIM 613193.

Submissions (4):

Labcorp Genetics (formerly Invitae), Labcorp
Classification: Uncertain significance for Primary ciliary dyskinesia. Last evaluated: 2025-06-22. Review status: criteria provided, single submitter. Criteria: Invitae Variant Classification Sherloc (09022015). Collection method: clinical testing. Allele origin: germline.
Comment: This variant, c.2061_2063dup, results in the insertion of 1 amino acid(s) of the DNAAF1 protein (p.Pro688dup), but otherwise preserves the integrity of the reading frame. This variant is present in population databases (rs776738547, gnomAD 0.07%). This variant has not been reported in the literature in individuals affected with DNAAF1-related conditions. ClinVar contains an entry for this variant (Variation ID: 320780). Experimental studies and prediction algorithms are not available or were not evaluated, and the functional significance of this variant is currently unknown. In summary, the available evidence is currently insufficient to determine the role of this variant in disease. Therefore, it has been classified as a Variant of Uncertain Significance.

Blueprint Genetics
Classification: Uncertain significance. Last evaluated: 2024-03-05. Review status: criteria provided, single submitter. Criteria: ACMG Guidelines, 2015. Collection method: clinical testing. Allele origin: germline.

GeneDx
Classification: Uncertain significance. Last evaluated: 2022-11-11. Review status: criteria provided, single submitter. Criteria: GeneDx Variant Classification Process June 2021. Collection method: clinical testing. Allele origin: germline. Affected: yes.
Comment: Has not been previously published as pathogenic or benign to our knowledge; In-frame insertion of 1 amino acid in a non-repeat region

Fulgent Genetics
Classification: Uncertain significance for Primary ciliary dyskinesia 13. Last evaluated: 2022-04-01. Review status: criteria provided, single submitter. Criteria: ACMG Guidelines, 2015. Collection method: clinical testing. Allele origin: unknown.

NM_178452.6(DNAAF1):c.2061_2063dup (p.Pro688dup)

Gene: DNAAF1 (dynein axonemal assembly factor 1; plus strand). Cytogenetic location: 16q24.1.
Variant type: Duplication.
Coding change: c.2061_2063dup on transcript NM_178452.6 (MANE Select); coding-DNA positions 2061 to 2063, 3 bases duplicated (TCC; older notation c.2061_2063dupTCC).
Protein change: p.Pro688dup; duplicates proline 688.
Molecular consequence: inframe insertion.
Genome position (GRCh38, 1-based): chr16:84,176,295-84,176,297, TCC duplicated; duplicating any 3 consecutive bases within chr16:84,176,294-84,176,297 gives the same sequence; the c. name uses the placement nearest the transcript's 3' end. VCF-style (leftmost placement, unchanged base first): chr16-84176293-T-TCTC. GRCh37 (hg19) VCF-style: chr16-84209899-T-TCTC.
Other names: c.1353_1355dup, p.Pro452dup (NM_001318756.1); c.2061_2063dup (NM_178452.4).
Identifiers: ClinVar variation 320780 (VCV000320780.13), dbSNP rs776738547, ClinGen allele CA8203091.